The following is an entry in ClinVar:

NM_004982.4(KCNJ8):c.719T>C (p.Val240Ala)

Genes: KCNJ8 (potassium inwardly rectifying channel subfamily J member 8; minus strand), KCNJ8-AS1 (KCNJ8 antisense RNA 1; plus strand). Cytogenetic location: 12p12.1.
Variant type: single nucleotide variant.
Coding change: c.719T>C on transcript NM_004982.4 (MANE Select); coding-DNA position 719, T replaced by C.
Protein change: p.Val240Ala; replaces valine 240 with alanine.
Molecular consequence: missense variant.
Genome position (GRCh38, 1-based): chr12:21,766,279, A>G on the plus strand (T>C on the coding strand, the complement: KCNJ8 is on the minus strand). VCF-style: chr12-21766279-A-G. GRCh37 (hg19) VCF-style: chr12-21919213-A-G.
Other names: short protein forms V240A.
Identifiers: ClinVar variation 573418 (VCV000573418.10), dbSNP rs146747000, ClinGen allele CA233613931.

ClinVar aggregate classification (germline): Uncertain significance. Review status: criteria provided, multiple submitters, no conflicts (2 of 4 stars). 2 submissions from 2 submitters: Uncertain significance (2). Last evaluated 2025-10-01.

Conditions:
Brugada syndrome. Also called: Sudden Unexplained Death Syndrome; Sudden Unexplained Nocturnal Death Syndrome (SUNDS); Sudden unexplained nocturnal death syndrome; Sudden unexpected nocturnal death syndrome. Identifiers: Orphanet 130, MedGen C1142166, MONDO:0015263.
Cardiovascular phenotype. Identifiers: MedGen CN230736.

Allele frequency attached by ClinVar (database versions not stated): TOPMed below 0.00001; ESP Exome Variant Server 0.00008.

Submissions (2):

Labcorp Genetics (formerly Invitae), Labcorp
Classification: Uncertain significance for Brugada syndrome. Last evaluated: 2025-10-01. Review status: criteria provided, single submitter. Criteria: Invitae Variant Classification Sherloc (09022015). Collection method: clinical testing. Allele origin: germline.
Comment: This sequence change replaces valine, which is neutral and non-polar, with alanine, which is neutral and non-polar, at codon 240 of the KCNJ8 protein (p.Val240Ala). This variant is not present in population databases (gnomAD no frequency). This variant has not been reported in the literature in individuals affected with KCNJ8-related conditions. ClinVar contains an entry for this variant (Variation ID: 573418). Invitae Evidence Modeling of protein sequence and biophysical properties (such as structural, functional, and spatial information, amino acid conservation, physicochemical variation, residue mobility, and thermodynamic stability) indicates that this missense variant is not expected to disrupt KCNJ8 protein function with a negative predictive value of 80%. In summary, the available evidence is currently insufficient to determine the role of this variant in disease. Therefore, it has been classified as a Variant of Uncertain Significance.

Ambry Genetics
Classification: Uncertain significance for Cardiovascular phenotype. Last evaluated: 2022-09-24. Review status: criteria provided, single submitter. Criteria: Ambry Variant Classification Scheme 2023. Collection method: clinical testing. Allele origin: germline.
Comment: The p.V240A variant (also known as c.719T>C), located in coding exon 2 of the KCNJ8 gene, results from a T to C substitution at nucleotide position 719. The valine at codon 240 is replaced by alanine, an amino acid with similar properties. This amino acid position is conserved. In addition, this alteration is predicted to be deleterious by in silico analysis. Since supporting evidence is limited at this time, the clinical significance of this alteration remains unclear.